The following is an entry in ClinVar:

ClinVar aggregate classification (germline): Likely benign. Review status: criteria provided, multiple submitters, no conflicts (2 of 4 stars). 3 submissions from 3 submitters: Likely benign (3). Last evaluated 2026-01-28.

Allele frequency attached by ClinVar (database versions not stated): TOPMed 0.00018; gnomAD 0.00025 and 0.00026; gnomAD exomes 0.00307.
gnomAD v4.1: 173 of 1,200,412 alleles (0.014%); highest among the groups gnomAD compares: Non-Finnish European, 0.017%; no homozygotes.

Submissions (3):

Labcorp Genetics (formerly Invitae), Labcorp
Classification: Likely benign. Last evaluated: 2026-01-28. Review status: criteria provided, single submitter. Criteria: Invitae Variant Classification Sherloc (09022015). Collection method: clinical testing. Allele origin: germline.

CeGaT Center for Human Genetics Tuebingen
Classification: Likely benign. Last evaluated: 2025-06-01. Review status: criteria provided, single submitter. Criteria: CeGaT Center For Human Genetics Tuebingen Variant Classification Criteria Version 2. Collection method: clinical testing. Allele origin: germline. Affected: yes. Observed: 10 variant alleles.
Comment: CACNA1B: BP4, BP7

Blueprint Genetics
Classification: Likely benign. Last evaluated: 2024-11-13. Review status: criteria provided, single submitter. Criteria: ACMG Guidelines, 2015. Collection method: clinical testing. Allele origin: germline.

NM_000718.4(CACNA1B):c.2718C>G (p.Arg906=)

Gene: CACNA1B (calcium voltage-gated channel subunit alpha1 B; plus strand). Cytogenetic location: 9q34.3.
Variant type: single nucleotide variant.
Coding change: c.2718C>G on transcript NM_000718.4 (MANE Select); coding-DNA position 2718, C replaced by G.
Protein change: p.Arg906=; no amino-acid change (arginine 906 retained).
Molecular consequence: synonymous variant.
Genome position (GRCh38, 1-based): chr9:138,023,461, C>G. VCF-style: chr9-138023461-C-G. GRCh37 (hg19) VCF-style: chr9-140917913-C-G.
Other names: c.2718C>G, p.Arg906= (NM_001243812.2).
Identifiers: ClinVar variation 742333 (VCV000742333.42), dbSNP rs896144053, ClinGen allele CA201830412.